The following is an entry in ClinVar:

NM_003384.3(VRK1):c.962G>A (p.Arg321His)

Gene: VRK1 (VRK serine/threonine kinase 1; plus strand). Cytogenetic location: 14q32.2.
Variant type: single nucleotide variant.
Coding change: c.962G>A on transcript NM_003384.3 (MANE Select); coding-DNA position 962, G replaced by A.
Protein change: p.Arg321His; replaces arginine 321 with histidine.
Molecular consequence: missense variant.
Genome position (GRCh38, 1-based): chr14:96,860,629, G>A. VCF-style: chr14-96860629-G-A. GRCh37 (hg19) VCF-style: chr14-97326966-G-A.
Other names: p.Arg321His; short protein forms R321H.
Identifiers: ClinVar variation 653489 (VCV000653489.10), dbSNP rs200927943, ClinGen allele CA7339131.

ClinVar aggregate classification (germline): Uncertain significance. Review status: criteria provided, multiple submitters, no conflicts (2 of 4 stars). 3 submissions from 3 submitters: Uncertain significance (2). 1 of the submissions does not count toward it. Last evaluated 2025-08-15.

Conditions:
Pontocerebellar hypoplasia type 1A (PCH1A). Also called: PONTOCEREBELLAR HYPOPLASIA WITH ANTERIOR HORN CELL DISEASE; PONTOCEREBELLAR HYPOPLASIA WITH INFANTILE SPINAL MUSCULAR ATROPHY. Identifiers: Orphanet 2254, Orphanet 88616, MedGen C1843504, MONDO:0011866, OMIM 607596.

Allele frequency attached by ClinVar (database versions not stated): TOPMed below 0.00001; ESP Exome Variant Server 0.00015.
gnomAD v4.1: 15 of 1,613,192 alleles (0.00093%); highest among the groups gnomAD compares: Non-Finnish European, 0.0012%; no homozygotes.

Submissions (3):

Mayo Clinic Laboratories, Mayo Clinic
Classification: Uncertain significance. Last evaluated: 2025-08-15. Review status: criteria provided, single submitter. Criteria: ACMG Guidelines, 2015. Collection method: clinical testing. Allele origin: germline. Observed: 1 variant allele.
Comment: BP4

Labcorp Genetics (formerly Invitae), Labcorp
Classification: Uncertain significance for Pontocerebellar hypoplasia type 1A. Last evaluated: 2021-09-02. Review status: criteria provided, single submitter. Criteria: Invitae Variant Classification Sherloc (09022015). Collection method: clinical testing. Allele origin: germline.
Comment: This sequence change replaces arginine with histidine at codon 321 of the VRK1 protein (p.Arg321His). The arginine residue is highly conserved and there is a small physicochemical difference between arginine and histidine. This variant is present in population databases (rs200927943, ExAC 0.003%). This variant has not been reported in the literature in individuals affected with VRK1-related conditions. Algorithms developed to predict the effect of missense changes on protein structure and function are either unavailable or do not agree on the potential impact of this missense change (SIFT: "Deleterious"; PolyPhen-2: "Benign"; Align-GVGD: "Class C0"). This variant disrupts the p.Arg321 amino acid residue in VRK1. Other variant(s) that disrupt this residue have been determined to be pathogenic (Invitae). This suggests that this residue is clinically significant, and that variants that disrupt this residue are likely to be disease-causing. In summary, the available evidence is currently insufficient to determine the role of this variant in disease. Therefore, it has been classified as a Variant of Uncertain Significance.

Natera, Inc.
Classification: Uncertain significance for Pontocerebellar hypoplasia, type 1a. Last evaluated: 2020-09-09. Review status: no assertion criteria provided. Collection method: clinical testing. Allele origin: germline. Not counted in ClinVar's aggregate classification.